The following is an entry in ClinVar:

ClinVar aggregate classification (germline): Uncertain significance (1 of 4 stars; one submission).

gnomAD v4.1: 2 of 1,211,834 alleles (0.00017%); highest among the groups gnomAD compares: Admixed American, 0.0043%; no homozygotes.

Submission:

Ambry Genetics
Classification: Uncertain significance. Last evaluated: 2026-02-26. Review status: criteria provided, single submitter. Criteria: Ambry Variant Classification Scheme 2023. Collection method: clinical testing. Allele origin: germline.
Comment: The c.2151G>C (p.L717F) alteration is located in exon 10 (coding exon 9) of the HTATSF1 gene. This alteration results from a G to C substitution at nucleotide position 2151, causing the leucine (L) at amino acid position 717 to be replaced by a phenylalanine (F). Based on data from gnomAD, the C allele has an overall frequency of 0.001% (2/183452) total alleles studied. The highest observed frequency was 0.007% (2/27408) of Latino alleles. Based on insufficient or conflicting evidence, the clinical significance of this alteration remains unclear.

NM_014500.5(HTATSF1):c.2151G>C (p.Leu717Phe)

Gene: HTATSF1 (HIV-1 Tat specific factor 1; plus strand). Cytogenetic location: Xq26.3.
Variant type: single nucleotide variant.
Coding change: c.2151G>C on transcript NM_014500.5 (MANE Select); coding-DNA position 2151, G replaced by C.
Protein change: p.Leu717Phe; replaces leucine 717 with phenylalanine.
Molecular consequence: missense variant.
Genome position (GRCh38, 1-based): chrX:136,511,896, G>C. VCF-style: chrX-136511896-G-C. GRCh37 (hg19) VCF-style: chrX-135594055-G-C.
Other names: c.2151G>C, p.Leu717Phe (NM_001163280.2); short protein forms L717F.
Identifiers: ClinVar variation 4829199 (VCV004829199.1).
Genomic context (GRCh38, chrX:136,511,896, plus strand): 5'-CGAAGATGATGATTCCAATGAGAAGTTGTTTGATGAGGAGGAAGATTCCAGTGAGAAGTT[G>C]TTTGACGATTCTGATGAGAGGGGGACTTTGGGTGGTTTTGGGAGTGTTGAAGAAGGGCCC-3'
Protein context (NP_055315.2, residues 707-727): FDEEEDSSEK[Leu717Phe]FDDSDERGTL